The following is an entry in ClinVar:

ClinVar aggregate classification (germline): Uncertain significance (1 of 4 stars; one submission).

Conditions:
NLRP1-related disorder. Also called: NLRP1-related condition.

Submission:

PreventionGenetics, part of Exact Sciences
Classification: Uncertain significance for NLRP1-related condition. Last evaluated: 2023-06-19. Review status: criteria provided, single submitter. Criteria: ACMG Guidelines, 2015. Collection method: clinical testing. Allele origin: germline.
Comment: The NLRP1 c.1112A>G variant is predicted to result in the amino acid substitution p.Glu371Gly. To our knowledge, this variant has not been reported in the literature or in a large population database, indicating this variant is rare. At this time, the clinical significance of this variant is uncertain due to the absence of conclusive functional and genetic evidence.

NM_033004.4(NLRP1):c.1112A>G (p.Glu371Gly)

Gene: NLRP1 (NLR family pyrin domain containing 1; minus strand). Cytogenetic location: 17p13.2.
Variant type: single nucleotide variant.
Coding change: c.1112A>G on transcript NM_033004.4 (MANE Select); coding-DNA position 1112, A replaced by G.
Protein change: p.Glu371Gly; replaces glutamic acid 371 with glycine.
Molecular consequence: missense variant.
Genome position (GRCh38, 1-based): chr17:5,559,584, T>C on the plus strand (A>G on the coding strand, the complement: NLRP1 is on the minus strand). VCF-style: chr17-5559584-T-C. GRCh37 (hg19) VCF-style: chr17-5462904-T-C.
Other names: c.1112A>G, p.Glu371Gly (NM_001033053.3, NM_014922.5, NM_033006.4 and 1 more transcripts); short protein forms E371G.
Identifiers: ClinVar variation 2632628 (VCV002632628.1), dbSNP rs2507941014, ClinGen allele CA397386913.